The following is an entry in ClinVar:

NM_004035.7(ACOX1):c.912C>T (p.Ser304=)

Gene: ACOX1 (acyl-CoA oxidase 1; minus strand). Cytogenetic location: 17q25.1.
Variant type: single nucleotide variant.
Coding change: c.912C>T on transcript NM_004035.7 (MANE Select); coding-DNA position 912, C replaced by T.
Protein change: p.Ser304=; no amino-acid change (serine 304 retained).
Molecular consequence: synonymous variant.
Genome position (GRCh38, 1-based): chr17:75,953,483, G>A on the plus strand (C>T on the coding strand, the complement: ACOX1 is on the minus strand). VCF-style: chr17-75953483-G-A. GRCh37 (hg19) VCF-style: chr17-73949564-G-A.
Other names: c.798C>T, p.Ser266= (NM_001185039.2); c.912C>T, p.Ser304= (NM_007292.6).
Identifiers: ClinVar variation 325382 (VCV000325382.39), dbSNP rs144826451, ClinGen allele CA8776895.

ClinVar aggregate classification (germline): Conflicting classifications of pathogenicity. Review status: criteria provided, conflicting classifications (1 of 4 stars). 4 submissions from 4 submitters: Uncertain significance (1); Likely benign (2). 1 of the submissions does not count toward it. Last evaluated 2025-12-22.

Conditions:
Acyl-CoA oxidase deficiency. Also called: Peroxisomal acyl-CoA oxidase deficiency; STRAIGHT-CHAIN ACYL-CoA OXIDASE DEFICIENCY; Pseudoneonatal adrenoleukodystrophy. Identifiers: Orphanet 2971, MedGen C1849678, MONDO:0009919, OMIM 264470. Disease mechanism: loss of function.

Allele frequency attached by ClinVar (database versions not stated): TOPMed 0.00003; gnomAD exomes 0.00004 and 0.00006; gnomAD 0.00005; ExAC 0.00009; ESP Exome Variant Server 0.00015.
gnomAD v4.1: 70 of 1,613,866 alleles (0.0043%); highest among the groups gnomAD compares: Middle Eastern, 0.016%; no homozygotes.

Submissions (4):

Labcorp Genetics (formerly Invitae), Labcorp
Classification: Likely benign for Acyl-CoA oxidase deficiency. Last evaluated: 2025-12-22. Review status: criteria provided, single submitter. Criteria: Invitae Variant Classification Sherloc (09022015). Collection method: clinical testing. Allele origin: germline.

CeGaT Center for Human Genetics Tuebingen
Classification: Likely benign. Last evaluated: 2024-02-01. Review status: criteria provided, single submitter. Criteria: CeGaT Center For Human Genetics Tuebingen Variant Classification Criteria Version 2. Collection method: clinical testing. Allele origin: germline. Affected: yes. Observed: 1 variant allele.
Comment: ACOX1: BP4, BP7

Illumina Laboratory Services, Illumina
Classification: Uncertain significance for Acyl-CoA oxidase deficiency. Last evaluated: 2018-01-12. Review status: criteria provided, single submitter. Criteria: ICSL Variant Classification Criteria 13 December 2019. Collection method: clinical testing. Allele origin: germline.

Natera, Inc.
Classification: Uncertain significance for Peroxisomal acyl-CoA oxidase deficiency. Last evaluated: 2019-10-28. Review status: no assertion criteria provided. Collection method: clinical testing. Allele origin: germline. Not counted in ClinVar's aggregate classification.